The following is an entry in ClinVar:

ClinVar aggregate classification (germline): Uncertain significance. Review status: criteria provided, multiple submitters, no conflicts (2 of 4 stars). 5 submissions from 5 submitters: Uncertain significance (5). Last evaluated 2024-09-06.

Conditions:
Left ventricular noncompaction 10 (LVNC10). Identifiers: Orphanet 154, Orphanet 54260, MedGen C3715165, MONDO:0014163, OMIM 615396.
Hypertrophic cardiomyopathy 4. Also called: Familial hypertrophic cardiomyopathy 4. Identifiers: MedGen C1861862, MONDO:0007268, OMIM 115197.
Cardiomyopathy (CMYO). Also called: Cardiomyopathies. Identifiers: Orphanet 167848, MedGen C0878544, MONDO:0004994, HP:0001638. Inheritance: Various modes of inheritance.
Hypertrophic cardiomyopathy. Also called: HYPERTROPHIC MYOCARDIOPATHY. Identifiers: Orphanet 217569, MedGen C0007194, MeSH D002312, MONDO:0005045, HP:0001639.

Allele frequency attached by ClinVar (database versions not stated): TOPMed below 0.00001.
gnomAD v4.1: 1 of 1,611,400 alleles (0.000062%); highest among the groups gnomAD compares: African/African-American, 0.0013%; no homozygotes.

Submissions (5):

Labcorp Genetics (formerly Invitae), Labcorp
Classification: Uncertain significance for Hypertrophic cardiomyopathy. Last evaluated: 2024-09-06. Review status: criteria provided, single submitter. Criteria: Invitae Variant Classification Sherloc (09022015). Collection method: clinical testing. Allele origin: germline.
Comment: This sequence change replaces proline, which is neutral and non-polar, with histidine, which is basic and polar, at codon 452 of the MYBPC3 protein (p.Pro452His). This variant is not present in population databases (gnomAD no frequency). This variant has not been reported in the literature in individuals affected with MYBPC3-related conditions. ClinVar contains an entry for this variant (Variation ID: 180930). An algorithm developed to predict the effect of missense changes on protein structure and function (PolyPhen-2) suggests that this variant is likely to be disruptive. In summary, the available evidence is currently insufficient to determine the role of this variant in disease. Therefore, it has been classified as a Variant of Uncertain Significance.

All of Us Research Program, National Institutes of Health
Classification: Uncertain significance for Hypertrophic cardiomyopathy. Last evaluated: 2023-11-02. Review status: criteria provided, single submitter. Criteria: ACMG Guidelines, 2015. Collection method: clinical testing. Allele origin: germline. Inheritance: Autosomal dominant inheritance. Observed: 1 variant allele, 1 heterozygote.
Comment: This missense variant replaces proline with histidine at codon 452 of the MYBPC3 protein. Computational prediction suggests that this variant may have deleterious impact on protein structure and function (internally defined REVEL score threshold >= 0.7, PMID: 27666373). To our knowledge, functional studies have not been reported for this variant. This variant has not been reported in individuals affected with cardiovascular disorders in the literature. This variant has not been identified in the general population by the Genome Aggregation Database (gnomAD). The available evidence is insufficient to determine the role of this variant in disease conclusively. Therefore, this variant is classified as a Variant of Uncertain Significance.

This study involves interpretation of variants in research participants for the purpose of population health screening. Participant phenotype was not available at the time of variant classification. Additional details can be found in publication PMID: 35346344, PMCID: PMC8962531

Color Diagnostics, LLC DBA Color Health
Classification: Uncertain significance for Cardiomyopathy. Last evaluated: 2023-10-12. Review status: criteria provided, single submitter. Criteria: ACMG Guidelines, 2015. Collection method: clinical testing. Allele origin: germline.
Comment: This missense variant replaces proline with histidine at codon 452 of the MYBPC3 protein. Computational prediction suggests that this variant may have deleterious impact on protein structure and function (internally defined REVEL score threshold >= 0.7, PMID: 27666373). To our knowledge, functional studies have not been reported for this variant. This variant has not been reported in individuals affected with MYBPC3-related disorders in the literature. This variant has not been identified in the general population by the Genome Aggregation Database (gnomAD). The available evidence is insufficient to determine the role of this variant in disease conclusively. Therefore, this variant is classified as a Variant of Uncertain Significance.

Fulgent Genetics
Classification: Uncertain significance for Hypertrophic cardiomyopathy 4; Left ventricular noncompaction 10. Last evaluated: 2021-08-05. Review status: criteria provided, single submitter. Criteria: ACMG Guidelines, 2015. Collection method: clinical testing. Allele origin: unknown.

GeneDx
Classification: Uncertain significance. Last evaluated: 2017-08-10. Review status: criteria provided, single submitter. Criteria: GeneDx Variant Classification (06012015). Collection method: clinical testing. Allele origin: germline. Affected: yes.
Comment: The P452H variant of uncertain significance in the MYBPC3 gene has not been published as pathogenic or benign to our knowledge. This variant is not observed in large population cohorts (Lek et al., 2016; 1000 Genomes Consortium et al., 2015; Exome Variant Server). In addition, P452H is a non-conservative amino acid substitution, which is likely to impact secondary protein structure as these residues differ in polarity, charge, size and/or other properties. This substitution also occurs at a position that is conserved across species, and in silico analysis predicts P452H is probably damaging to the protein structure/function. Nevertheless, P452H has only been identified in one family referred for cardiac genetic testing at GeneDx in which P452H was absent in two reportedly affected family members. Thus, this variant lacks observation in a significant number of affected individuals, segregation data, and functional evidence, which would further clarify its pathogenicity. Therefore, P452H in the MYBPC3 gene is interpreted as a variant of uncertain significance.

NM_000256.3(MYBPC3):c.1355C>A (p.Pro452His)

Gene: MYBPC3 (myosin binding protein C3; minus strand). Cytogenetic location: 11p11.2.
Variant type: single nucleotide variant.
Coding change: c.1355C>A on transcript NM_000256.3 (MANE Select); coding-DNA position 1355, C replaced by A.
Protein change: p.Pro452His; replaces proline 452 with histidine.
Molecular consequence: missense variant.
Genome position (GRCh38, 1-based): chr11:47,342,932, G>T on the plus strand (C>A on the coding strand, the complement: MYBPC3 is on the minus strand). VCF-style: chr11-47342932-G-T. GRCh37 (hg19) VCF-style: chr11-47364483-G-T.
Other names: p.P452H:CCC>CAC; c.1355C>A, p.Pro452His (LRG_386t1); short protein forms P452H.
Identifiers: ClinVar variation 180930 (VCV000180930.10), dbSNP rs730880536, ClinGen allele CA010163.